The following is an entry in ClinVar:

NM_006440.5(TXNRD2):c.1463C>T (p.Ala488Val)

Gene: TXNRD2 (thioredoxin reductase 2; minus strand). Cytogenetic location: 22q11.21.
Variant type: single nucleotide variant.
Coding change: c.1463C>T on transcript NM_006440.5 (MANE Select); coding-DNA position 1463, C replaced by T.
Protein change: p.Ala488Val; replaces alanine 488 with valine.
Molecular consequence: missense variant.
Genome position (GRCh38, 1-based): chr22:19,877,217, G>A on the plus strand (C>T on the coding strand, the complement: TXNRD2 is on the minus strand). VCF-style: chr22-19877217-G-A. GRCh37 (hg19) VCF-style: chr22-19864740-G-A.
Other names: c.1460C>T, p.Ala487Val (NM_001352300.2); c.1373C>T, p.Ala458Val (NM_001352301.2); c.1175C>T, p.Ala392Val (NM_001352302.2); short protein forms A392V, A458V, A487V, A488V.
Identifiers: ClinVar variation 1055823 (VCV001055823.13), dbSNP rs752947034, ClinGen allele CA10103620.

ClinVar aggregate classification (germline): Conflicting classifications of pathogenicity. Review status: criteria provided, conflicting classifications (1 of 4 stars). 3 submissions from 3 submitters: Uncertain significance (2); Likely benign (1). Last evaluated 2025-12-10.

Conditions:
Cardiovascular phenotype. Identifiers: MedGen CN230736.
Primary dilated cardiomyopathy (DCM). Also called: Dilated Cardiomyopathy. Identifiers: Orphanet 217604, MedGen C0007193, MeSH D002311, MONDO:0005021, HP:0001644. Inheritance: Various modes of inheritance.

Allele frequency attached by ClinVar (database versions not stated): gnomAD exomes 0.00001 and 0.00004; ExAC 0.00004; gnomAD 0.00001 and 0.00002; TOPMed 0.00001.
gnomAD v4.1: 12 of 1,610,916 alleles (0.00074%); highest among the groups gnomAD compares: South Asian, 0.0044%; no homozygotes.

Submissions (3):

Labcorp Genetics (formerly Invitae), Labcorp
Classification: Uncertain significance for Primary dilated cardiomyopathy. Last evaluated: 2025-12-10. Review status: criteria provided, single submitter. Criteria: Invitae Variant Classification Sherloc (09022015). Collection method: clinical testing. Allele origin: germline.
Comment: This sequence change replaces alanine, which is neutral and non-polar, with valine, which is neutral and non-polar, at codon 488 of the TXNRD2 protein (p.Ala488Val). This variant is present in population databases (rs752947034, gnomAD 0.01%). This variant has not been reported in the literature in individuals affected with TXNRD2-related conditions. ClinVar contains an entry for this variant (Variation ID: 1055823). Invitae Evidence Modeling of protein sequence and biophysical properties (such as structural, functional, and spatial information, amino acid conservation, physicochemical variation, residue mobility, and thermodynamic stability) indicates that this missense variant is not expected to disrupt TXNRD2 protein function with a negative predictive value of 80%. In summary, the available evidence is currently insufficient to determine the role of this variant in disease. Therefore, it has been classified as a Variant of Uncertain Significance.

Ambry Genetics
Classification: Likely benign for Cardiovascular phenotype. Last evaluated: 2024-11-24. Review status: criteria provided, single submitter. Criteria: Ambry Variant Classification Scheme 2023. Collection method: clinical testing. Allele origin: germline.

Breakthrough Genomics
Classification: Uncertain significance. Review status: criteria provided, single submitter. Criteria: ACMG Guidelines, 2015. Collection method: not provided. Allele origin: germline. Inheritance: Autosomal dominant inheritance. Affected: yes.